The following is an entry in ClinVar:

NM_001039141.3(TRIOBP):c.1969G>A (p.Asp657Asn)

Gene: TRIOBP (TRIO and F-actin binding protein; plus strand). Cytogenetic location: 22q13.1.
Variant type: single nucleotide variant.
Coding change: c.1969G>A on transcript NM_001039141.3 (MANE Select); coding-DNA position 1969, G replaced by A.
Protein change: p.Asp657Asn; replaces aspartic acid 657 with asparagine.
Molecular consequence: missense variant.
Genome position (GRCh38, 1-based): chr22:37,724,525, G>A. VCF-style: chr22-37724525-G-A. GRCh37 (hg19) VCF-style: chr22-38120532-G-A.
Other names: c.1969G>A (NM_001039141.2); short protein forms D657N.
Identifiers: ClinVar variation 1383936 (VCV001383936.6), dbSNP rs770347004, ClinGen allele CA10223749.

ClinVar aggregate classification (germline): Conflicting classifications of pathogenicity. Review status: criteria provided, conflicting classifications (1 of 4 stars). 2 submissions from 2 submitters: Uncertain significance (1); Likely benign (1). Last evaluated 2025-08-29.

Conditions:
TRIOBP-related disorder. Also called: TRIOBP-related condition.

Submissions (2):

PreventionGenetics, part of Exact Sciences
Classification: Likely benign for TRIOBP-related condition. Last evaluated: 2025-08-29. Review status: criteria provided, single submitter. Criteria: ACMG Guidelines, 2015. Collection method: clinical testing. Allele origin: germline.
Comment: This variant is classified as likely benign based on ACMG/AMP sequence variant interpretation guidelines (Richards et al. 2015 PMID: 25741868, with internal and published modifications).

Labcorp Genetics (formerly Invitae), Labcorp
Classification: Uncertain significance. Last evaluated: 2021-09-01. Review status: criteria provided, single submitter. Criteria: Invitae Variant Classification Sherloc (09022015). Collection method: clinical testing. Allele origin: germline.
Comment: This sequence change replaces aspartic acid with asparagine at codon 657 of the TRIOBP protein (p.Asp657Asn). The aspartic acid residue is weakly conserved and there is a small physicochemical difference between aspartic acid and asparagine. This variant is present in population databases (rs770347004, ExAC 0.06%). This variant has not been reported in the literature in individuals affected with TRIOBP-related conditions. Algorithms developed to predict the effect of missense changes on protein structure and function output the following: SIFT: "Tolerated"; PolyPhen-2: "Benign"; Align-GVGD: "Class C0". The asparagine amino acid residue is found in multiple mammalian species, which suggests that this missense change does not adversely affect protein function. In summary, the available evidence is currently insufficient to determine the role of this variant in disease. Therefore, it has been classified as a Variant of Uncertain Significance.